The following is an entry in ClinVar:

NM_004006.3(DMD):c.3902A>G (p.Glu1301Gly)

Gene: DMD (dystrophin; minus strand). Cytogenetic location: Xp21.1.
Variant type: single nucleotide variant.
Coding change: c.3902A>G on transcript NM_004006.3 (MANE Select); coding-DNA position 3902, A replaced by G.
Protein change: p.Glu1301Gly; replaces glutamic acid 1301 with glycine.
Molecular consequence: missense variant.
Genome position (GRCh38, 1-based): chrX:32,441,199, T>C on the plus strand (A>G on the coding strand, the complement: DMD is on the minus strand). VCF-style: chrX-32441199-T-C. GRCh37 (hg19) VCF-style: chrX-32459316-T-C.
Other names: c.3878A>G, p.Glu1293Gly (NM_000109.4); c.3890A>G, p.Glu1297Gly (NM_004009.3); c.3533A>G, p.Glu1178Gly (NM_004010.3); short protein forms E1297G, E1301G, E1178G, E1293G.
Identifiers: ClinVar variation 4739697 (VCV004739697.1).

ClinVar aggregate classification (germline): Uncertain significance (1 of 4 stars; one submission).

Conditions:
Duchenne muscular dystrophy (DMD). Also called: MUSCULAR DYSTROPHY, PSEUDOHYPERTROPHIC PROGRESSIVE, DUCHENNE TYPE; Duchenne Muscular Dystrophy (DMD). Identifiers: Orphanet 98896, MedGen C0013264, MONDO:0010679, OMIM 310200.

Submission:

Labcorp Genetics (formerly Invitae), Labcorp
Classification: Uncertain significance for Duchenne muscular dystrophy. Last evaluated: 2025-10-24. Review status: criteria provided, single submitter. Criteria: Invitae Variant Classification Sherloc (09022015). Collection method: clinical testing. Allele origin: germline.
Comment: This sequence change replaces glutamic acid, which is acidic and polar, with glycine, which is neutral and non-polar, at codon 1301 of the DMD protein (p.Glu1301Gly). This variant is not present in population databases (gnomAD no frequency). This variant has not been reported in the literature in individuals affected with DMD-related conditions. Invitae Evidence Modeling of protein sequence and biophysical properties (such as structural, functional, and spatial information, amino acid conservation, physicochemical variation, residue mobility, and thermodynamic stability) indicates that this missense variant is not expected to disrupt DMD protein function with a negative predictive value of 95%. In summary, the available evidence is currently insufficient to determine the role of this variant in disease. Therefore, it has been classified as a Variant of Uncertain Significance.